The following is an entry in ClinVar:

NM_001278689.2(EOGT):c.1460A>G (p.Glu487Gly)

Gene: EOGT (EGF domain specific O-linked N-acetylglucosamine transferase; minus strand). Cytogenetic location: 3p14.1.
Variant type: single nucleotide variant.
Coding change: c.1460A>G on transcript NM_001278689.2 (MANE Select); coding-DNA position 1460, A replaced by G.
Protein change: p.Glu487Gly; replaces glutamic acid 487 with glycine.
Molecular consequence: missense variant. On other transcripts: non-coding transcript variant (1).
Genome position (GRCh38, 1-based): chr3:68,977,742, T>C on the plus strand (A>G on the coding strand, the complement: EOGT is on the minus strand). VCF-style: chr3-68977742-T-C. GRCh37 (hg19) VCF-style: chr3-69026893-T-C.
Other names: c.1208A>G, p.Glu403Gly (NM_173654.3); c.1208A>G (NM_173654.1); short protein forms E403G, E487G.
Identifiers: ClinVar variation 2060583 (VCV002060583.6), dbSNP rs1011335550, ClinGen allele CA76432942.

ClinVar aggregate classification (germline): Uncertain significance. Review status: criteria provided, multiple submitters, no conflicts (2 of 4 stars). 2 submissions from 2 submitters: Uncertain significance (2). Last evaluated 2025-03-24.

Conditions:
Inborn genetic diseases. Identifiers: MedGen C0950123, MeSH D030342.
Adams-Oliver syndrome 4 (AOS4). Identifiers: Orphanet 974, MedGen C3809092, MONDO:0014124, OMIM 615297.

Allele frequency attached by ClinVar (database versions not stated): TOPMed 0.00007; gnomAD exomes 0.00001; gnomAD 0.00003.
gnomAD v4.1: 14 of 1,612,910 alleles (0.00087%); highest among the groups gnomAD compares: Admixed American, 0.02%; no homozygotes.

Submissions (2):

Ambry Genetics
Classification: Uncertain significance for Inborn genetic diseases. Last evaluated: 2025-03-24. Review status: criteria provided, single submitter. Criteria: Ambry Variant Classification Scheme 2023. Collection method: clinical testing. Allele origin: germline.

Labcorp Genetics (formerly Invitae), Labcorp
Classification: Uncertain significance for Adams-Oliver syndrome 4. Last evaluated: 2024-04-22. Review status: criteria provided, single submitter. Criteria: Invitae Variant Classification Sherloc (09022015). Collection method: clinical testing. Allele origin: germline.
Comment: This sequence change replaces glutamic acid, which is acidic and polar, with glycine, which is neutral and non-polar, at codon 403 of the EOGT protein (p.Glu403Gly). This variant is present in population databases (no rsID available, gnomAD 0.003%). This variant has not been reported in the literature in individuals affected with EOGT-related conditions. ClinVar contains an entry for this variant (Variation ID: 2060583). Advanced modeling of protein sequence and biophysical properties (such as structural, functional, and spatial information, amino acid conservation, physicochemical variation, residue mobility, and thermodynamic stability) performed at Invitae indicates that this missense variant is not expected to disrupt EOGT protein function with a negative predictive value of 80%. In summary, the available evidence is currently insufficient to determine the role of this variant in disease. Therefore, it has been classified as a Variant of Uncertain Significance.